The following is an entry in ClinVar:

NM_000186.4(CFH):c.3196A>T (p.Lys1066Ter)

Gene: CFH (complement factor H; plus strand). Cytogenetic location: 1q31.3.
Variant type: single nucleotide variant.
Coding change: c.3196A>T on transcript NM_000186.4 (MANE Select); coding-DNA position 3196, A replaced by T.
Protein change: p.Lys1066Ter; replaces lysine 1066 with a stop codon.
Molecular consequence: nonsense.
Genome position (GRCh38, 1-based): chr1:196,743,514, A>T. VCF-style: chr1-196743514-A-T. GRCh37 (hg19) VCF-style: chr1-196712644-A-T.
Other names: short protein forms K1066*.
Identifiers: ClinVar variation 4291543 (VCV004291543.1).

ClinVar aggregate classification (germline): Pathogenic (1 of 4 stars; one submission).

Conditions:
Atypical hemolytic-uremic syndrome. Identifiers: Orphanet 2134, MedGen C2931788, MONDO:0016244.

gnomAD v4.1: 1 of 1,614,088 alleles (0.000062%); highest among the groups gnomAD compares: Non-Finnish European, 0.000085%; no homozygotes.

Submission:

Genomenon, Inc
Classification: Pathogenic for Atypical hemolytic-uremic syndrome. Last evaluated: 2025-10-02. Review status: criteria provided, single submitter. Criteria: Genomenon Sequence Variant Interpretation Standards - Updated. Collection method: curation. Allele origin: germline. Affected: yes.
Comment: CFH p.Lys1066Ter (c.3196A>T) is a nonsense variant that introduces a premature stop codon at amino acid position 1066, creating a truncated protein that is predicted to undergo nonsense-mediated mRNA decay. This variant has been observed in at least one proband affected with atypical hemolytic-uremic syndrome (PMID:30890598;23356914). It is absent or not present at a significant frequency in gnomAD. In conclusion, we classify CFH p.Lys1066Ter (c.3196A>T) as a pathogenic variant.

Literature cited by the submitters: PubMed 30890598; PubMed 23356914.